The following is an entry in ClinVar:

NM_001148.6(ANK2):c.1783-2A>G

Gene: ANK2 (ankyrin 2; plus strand). Cytogenetic location: 4q26.
Variant type: single nucleotide variant.
Coding change: c.1783-2A>G on transcript NM_001148.6 (MANE Select); the canonical splice acceptor site of the intron before coding-DNA position 1783, A replaced by G.
Molecular consequence: splice acceptor variant. On other transcripts: intron variant (10).
Genome position (GRCh38, 1-based): chr4:113,278,458, A>G. VCF-style: chr4-113278458-A-G. GRCh37 (hg19) VCF-style: chr4-114199614-A-G.
Other names: c.1771-2A>G (NM_001386186.2, NM_001386148.2); c.1573-2A>G (NM_001354269.3); c.1747-2A>G (NM_001386187.2); c.1741-2A>G (NM_001386147.1, NM_001386160.1, NM_001354261.2); c.1720-2A>G (NM_001354254.2, NM_001354239.2, NM_001354252.2 and 10 more transcripts); c.1719+523A>G (NM_001354253.2, NM_001354270.2, NM_001354257.2 and 1 more transcripts); c.1696-2A>G (NM_001354249.2, NM_001354266.2, NM_001354276.2 and 10 more transcripts); c.1695+523A>G (NM_001386151.1, NM_001354260.2, NM_001354271.2); and 8 more.
Identifiers: ClinVar variation 3220964 (VCV003220964.1), dbSNP rs2153700650, ClinGen allele CA357911628.

ClinVar aggregate classification (germline): Uncertain significance (1 of 4 stars; one submission).

Conditions:
Cardiovascular phenotype. Identifiers: MedGen CN230736.

Submission:

Ambry Genetics
Classification: Uncertain significance for Cardiovascular phenotype. Last evaluated: 2023-11-28. Review status: criteria provided, single submitter. Criteria: Ambry Variant Classification Scheme 2023. Collection method: clinical testing. Allele origin: germline.
Comment: The c.1783-2A>G intronic variant results from an A to G substitution two nucleotides before coding exon 17 in the ANK2 gene. Alterations that disrupt the canonical splice site are expected to result in aberrant splicing. In silico splice site analysis predicts that this alteration will weaken the native splice acceptor site. The resulting transcript is predicted to be in-frame and is not expected to trigger nonsense-mediated mRNA decay; however, direct evidence is unavailable. The exact functional effect of the altered amino acid sequence is unknown. This nucleotide position is highly conserved in available vertebrate species. Since supporting evidence is limited at this time, the clinical significance of this alteration remains unclear.